The following is an entry in ClinVar:

NM_001145358.2(SIN3A):c.3409C>T (p.Gln1137Ter)

Gene: SIN3A (SIN3 transcription regulator family member A; minus strand). Cytogenetic location: 15q24.2.
Variant type: single nucleotide variant.
Coding change: c.3409C>T on transcript NM_001145358.2 (MANE Select); coding-DNA position 3409, C replaced by T.
Protein change: p.Gln1137Ter; replaces glutamine 1137 with a stop codon.
Molecular consequence: nonsense.
Genome position (GRCh38, 1-based): chr15:75,375,847, G>A on the plus strand (C>T on the coding strand, the complement: SIN3A is on the minus strand). VCF-style: chr15-75375847-G-A. GRCh37 (hg19) VCF-style: chr15-75668188-G-A.
Other names: c.3409C>T, p.Gln1137Ter (NM_001145357.2, NM_015477.3); short protein forms Q1137*.
Identifiers: ClinVar variation 872249 (VCV000872249.41), dbSNP rs2072844502, ClinGen allele CA393486083.

ClinVar aggregate classification (germline): Pathogenic (1 of 4 stars; one submission).

Submission:

CeGaT Center for Human Genetics Tuebingen
Classification: Pathogenic. Last evaluated: 2026-08-01. Review status: criteria provided, single submitter. Criteria: CeGaT Center For Human Genetics Tuebingen Variant Classification Criteria Version 2. Collection method: clinical testing. Allele origin: germline. Affected: yes. Observed: 2 variant alleles.
Comment: SIN3A: PVS1, PM2